The following is an entry in ClinVar:

NM_000448.3(RAG1):c.308A>G (p.His103Arg)

Gene: RAG1 (recombination activating 1; plus strand). Cytogenetic location: 11p12.
Variant type: single nucleotide variant.
Coding change: c.308A>G on transcript NM_000448.3 (MANE Select); coding-DNA position 308, A replaced by G.
Protein change: p.His103Arg; replaces histidine 103 with arginine.
Molecular consequence: missense variant.
Genome position (GRCh38, 1-based): chr11:36,573,612, A>G. VCF-style: chr11-36573612-A-G. GRCh37 (hg19) VCF-style: chr11-36595162-A-G.
Other names: c.308A>G, p.His103Arg (NM_001377279.1, NM_001377280.1, NM_001377277.1 and 1 more transcripts); short protein forms H103R.
Identifiers: ClinVar variation 966782 (VCV000966782.7), dbSNP rs777049576, ClinGen allele CA5949954.

ClinVar aggregate classification (germline): Uncertain significance (1 of 4 stars; one submission).

Conditions:
Severe combined immunodeficiency, autosomal recessive, T cell-negative, B cell-negative, NK cell-positive. Also called: SCID, T CELL-NEGATIVE, B CELL-NEGATIVE, NK CELL-POSITIVE; SCID, AR, T-cell negative, B-cell negative, NK cell-positive; Severe combined immunodeficiency due to complete RAG1/2 deficiency. Identifiers: Orphanet 331206, MedGen C1832322, MONDO:0011086, OMIM 601457.
Combined immunodeficiency with skin granulomas. Identifiers: Orphanet 157949, MedGen C2673536, MONDO:0009306, OMIM 233650.

Allele frequency attached by ClinVar (database versions not stated): gnomAD 0.00001; gnomAD exomes 0.00001 and 0.00002; ExAC 0.00003.
gnomAD v4.1: 19 of 1,614,110 alleles (0.0012%); highest among the groups gnomAD compares: East Asian, 0.0022%; no homozygotes.

Submission:

Labcorp Genetics (formerly Invitae), Labcorp
Classification: Uncertain significance for Combined immunodeficiency with skin granulomas; Severe combined immunodeficiency, autosomal recessive, T cell-negative, B cell-negative, NK cell-positive. Last evaluated: 2021-04-05. Review status: criteria provided, single submitter. Criteria: Invitae Variant Classification Sherloc (09022015). Collection method: clinical testing. Allele origin: germline.
Comment: In summary, the available evidence is currently insufficient to determine the role of this variant in disease. Therefore, it has been classified as a Variant of Uncertain Significance. Algorithms developed to predict the effect of missense changes on protein structure and function are either unavailable or do not agree on the potential impact of this missense change (SIFT: "Deleterious"; PolyPhen-2: "Possibly Damaging"; Align-GVGD: "Class C0"). This variant has not been reported in the literature in individuals with RAG1-related conditions. This variant is present in population databases (rs777049576, ExAC 0.006%). This sequence change replaces histidine with arginine at codon 103 of the RAG1 protein (p.His103Arg). The histidine residue is highly conserved and there is a small physicochemical difference between histidine and arginine.